The following is an entry in ClinVar:

NM_000059.4(BRCA2):c.8978C>A (p.Ser2993Ter)

Gene: BRCA2 (BRCA2 DNA repair associated; plus strand). Cytogenetic location: 13q13.1.
Variant type: single nucleotide variant.
Coding change: c.8978C>A on transcript NM_000059.4 (MANE Select); coding-DNA position 8978, C replaced by A.
Protein change: p.Ser2993Ter; replaces serine 2993 with a stop codon.
Molecular consequence: nonsense.
Genome position (GRCh38, 1-based): chr13:32,379,774, C>A. VCF-style: chr13-32379774-C-A. GRCh37 (hg19) VCF-style: chr13-32953911-C-A.
Other names: 9206C>A-Ser2993ter; short protein forms S2993*.
Identifiers: ClinVar variation 52717 (VCV000052717.7), dbSNP rs397508025, ClinGen allele CA025910.

ClinVar aggregate classification (germline): Pathogenic. Review status: reviewed by expert panel (3 of 4 stars). 2 submissions from 2 submitters: Pathogenic (1). 1 of the submissions does not count toward it. Last evaluated 2016-10-18.

Conditions:
Breast-ovarian cancer, familial, susceptibility to, 2 (BROVCA2). Also called: BRCA2 Hereditary Breast and Ovarian Cancer. Identifiers: Orphanet 145, MedGen C2675520, MONDO:0012933, OMIM 612555. Disease mechanism: loss of function.

Submissions (2):

Evidence-based Network for the Interpretation of Germline Mutant Alleles (ENIGMA)
Classification: Pathogenic for Breast-ovarian cancer, familial, susceptibility to, 2. Last evaluated: 2016-10-18. Review status: reviewed by expert panel. Criteria: ENIGMA BRCA1/2 Classification Criteria (2015). Collection method: curation. Allele origin: germline.
Comment: Variant allele predicted to encode a truncated non-functional protein.

Consortium of Investigators of Modifiers of BRCA1/2 (CIMBA), c/o University of Cambridge
Classification: Pathogenic for Breast-ovarian cancer, familial, susceptibility to, 2. Last evaluated: 2015-10-02. Review status: criteria provided, single submitter. Criteria: CIMBA Mutation Classification guidelines May 2016. Collection method: clinical testing. Allele origin: germline. Not counted in ClinVar's aggregate classification.